The following is an entry in ClinVar:

NM_005045.4(RELN):c.4379C>A (p.Pro1460His)

Gene: RELN (reelin; minus strand). Cytogenetic location: 7q22.1.
Variant type: single nucleotide variant.
Coding change: c.4379C>A on transcript NM_005045.4 (MANE Select); coding-DNA position 4379, C replaced by A.
Protein change: p.Pro1460His; replaces proline 1460 with histidine.
Molecular consequence: missense variant.
Genome position (GRCh38, 1-based): chr7:103,574,224, G>T on the plus strand (C>A on the coding strand, the complement: RELN is on the minus strand). VCF-style: chr7-103574224-G-T. GRCh37 (hg19) VCF-style: chr7-103214671-G-T.
Other names: c.4379C>A, p.Pro1460His (NM_173054.3); short protein forms P1460H.
Identifiers: ClinVar variation 3760992 (VCV003760992.2).

ClinVar aggregate classification (germline): Uncertain significance (1 of 4 stars; one submission).

Conditions:
Norman-Roberts syndrome (LIS2). Also called: Lissencephaly 2 (Norman-Roberts type). Identifiers: Orphanet 89844, MedGen C0796089, MONDO:0009760, OMIM 257320.
Familial temporal lobe epilepsy 7. Identifiers: Orphanet 101046, MedGen C4225327, MONDO:0014639, OMIM 616436.

gnomAD v4.1: 7 of 1,614,016 alleles (0.00043%); highest among the groups gnomAD compares: Non-Finnish European, 0.00059%; no homozygotes.

Submission:

Labcorp Genetics (formerly Invitae), Labcorp
Classification: Uncertain significance for Familial temporal lobe epilepsy 7; Norman-Roberts syndrome. Last evaluated: 2024-12-02. Review status: criteria provided, single submitter. Criteria: Invitae Variant Classification Sherloc (09022015). Collection method: clinical testing. Allele origin: germline.
Comment: This sequence change replaces proline, which is neutral and non-polar, with histidine, which is basic and polar, at codon 1460 of the RELN protein (p.Pro1460His). This variant is present in population databases (no rsID available, gnomAD 0.002%). This variant has not been reported in the literature in individuals affected with RELN-related conditions. Invitae Evidence Modeling of protein sequence and biophysical properties (such as structural, functional, and spatial information, amino acid conservation, physicochemical variation, residue mobility, and thermodynamic stability) indicates that this missense variant is not expected to disrupt RELN protein function with a negative predictive value of 80%. In summary, the available evidence is currently insufficient to determine the role of this variant in disease. Therefore, it has been classified as a Variant of Uncertain Significance.